The following is an entry in ClinVar:

ClinVar aggregate classification (germline): Likely benign. Review status: criteria provided, multiple submitters, no conflicts (2 of 4 stars). 2 submissions from 2 submitters: Likely benign (2). Last evaluated 2024-05-10.

Conditions:
Familial cancer of breast. Also called: BREAST CANCER, FAMILIAL; Hereditary breast cancer; hereditary breast carcinoma. Identifiers: Orphanet 227535, MedGen C0346153, MONDO:0016419, OMIM 114480. Disease mechanism: loss of function.
Ataxia-telangiectasia syndrome (AT). Also called: Ataxia-telangiectasia, complementation group D; LOUIS-BAR SYNDROME; ATAXIA-TELANGIECTASIA, COMPLEMENTATION GROUP A; ATAXIA-TELANGIECTASIA, FRESNO VARIANT; Ataxia telangiectasia (A-T); Cerebello-oculocutaneous telangiectasia. Identifiers: Orphanet 100, MedGen C0004135, MONDO:0008840, OMIM 208900.

Allele frequency attached by ClinVar (database versions not stated): gnomAD exomes below 0.00001.
gnomAD v4.1: 1 of 1,588,154 alleles (0.000063%); highest among the groups gnomAD compares: Non-Finnish European, 0.000085%; no homozygotes.

Submissions (2):

Myriad Genetics, Inc.
Classification: Likely benign for Familial cancer of breast. Last evaluated: 2024-05-10. Review status: criteria provided, single submitter. Criteria: Myriad Autosomal Dominant, Autosomal Recessive and X-Linked Classification Criteria (2023). Collection method: clinical testing. Allele origin: unknown.
Comment: This variant is considered likely benign. This variant is intronic and is not expected to impact mRNA splicing.

Labcorp Genetics (formerly Invitae), Labcorp
Classification: Likely benign for Ataxia-telangiectasia syndrome. Last evaluated: 2024-01-05. Review status: criteria provided, single submitter. Criteria: Invitae Variant Classification Sherloc (09022015). Collection method: clinical testing. Allele origin: germline.

NM_000051.4(ATM):c.2922-7A>G

Gene: ATM (ATM serine/threonine kinase; plus strand). Cytogenetic location: 11q22.3.
Variant type: single nucleotide variant.
Coding change: c.2922-7A>G on transcript NM_000051.4 (MANE Select); 7 bases into the intron before coding-DNA position 2922, A replaced by G.
Molecular consequence: intron variant.
Genome position (GRCh38, 1-based): chr11:108,271,244, A>G. VCF-style: chr11-108271244-A-G. GRCh37 (hg19) VCF-style: chr11-108141971-A-G.
Other names: c.2922-7A>G (NM_001351834.2).
Identifiers: ClinVar variation 2764916 (VCV002764916.4), dbSNP rs1292971489, ClinGen allele CA2615854670.